The following is an entry in ClinVar:

NM_001267550.2(TTN):c.31634C>T (p.Ala10545Val)

Gene: TTN (titin; minus strand). Cytogenetic location: 2q31.2.
Variant type: single nucleotide variant.
Coding change: c.31634C>T on transcript NM_001267550.2 (MANE Select); coding-DNA position 31634, C replaced by T.
Protein change: p.Ala10545Val; replaces alanine 10545 with valine.
Molecular consequence: missense variant. On other transcripts: intron variant (3).
Genome position (GRCh38, 1-based): chr2:178,692,541, G>A on the plus strand (C>T on the coding strand, the complement: TTN is on the minus strand). VCF-style: chr2-178692541-G-A. GRCh37 (hg19) VCF-style: chr2-179557268-G-A.
Other names: c.30683C>T, p.Ala10228Val (NM_001256850.1); c.27902C>T, p.Ala9301Val (NM_133378.4); c.13282+45541C>T (NM_003319.4); c.13858+45541C>T (NM_133437.4); c.13657+45541C>T (NM_133432.3); short protein forms A10545V, A9301V, A10228V.
Identifiers: ClinVar variation 5002473 (VCV005002473.1).

ClinVar aggregate classification (germline): Uncertain significance (1 of 4 stars; one submission).

Conditions:
TTN-related disorder. Also called: TTN-related condition; TTN-related disease; TTN-related disorders.

Submission:

PreventionGenetics, part of Exact Sciences
Classification: Uncertain significance for TTN-related condition. Last evaluated: 2024-12-22. Review status: criteria provided, single submitter. Criteria: ACMG Guidelines, 2015. Collection method: clinical testing. Allele origin: germline.
Comment: The TTN c.31634C>T variant is predicted to result in the amino acid substitution p.Ala10545Val. To our knowledge, this variant has not been reported in the literature or in a large population database (gnomAD), indicating this variant is rare. This variant occurs in the I band and RNAseq studies from heart tissue indicate this exon is frequently but not always included in TTN mRNA transcripts (PSI of 58-79%) (Roberts et al. 2015. PMID: 25589632). At this time, the clinical significance of this variant is uncertain due to the absence of conclusive functional and genetic evidence.